The following is an entry in ClinVar:

ClinVar aggregate classification (germline): Pathogenic. Review status: criteria provided, multiple submitters, no conflicts (2 of 4 stars). 10 submissions from 10 submitters: Pathogenic (9). 1 of the submissions does not count toward it. Last evaluated 2025-12-22.

Conditions:
IVD-related disorder. Also called: IVD-related condition.
Isovaleryl-CoA dehydrogenase deficiency (IVA). Also called: Isovaleric acidemia; Classic Isovaleric Acidemia; ISOVALERIC ACID CoA DEHYDROGENASE DEFICIENCY; IVD DEFICIENCY. Identifiers: Orphanet 33, MedGen C0268575, MONDO:0009475, OMIM 243500.

Allele frequency attached by ClinVar (database versions not stated): gnomAD exomes below 0.00001 and 0.00001; ExAC 0.00001; TOPMed 0.00001.
gnomAD v4.1: 6 of 1,614,230 alleles (0.00037%); highest among the groups gnomAD compares: South Asian, 0.0011%; no homozygotes.

Submissions (10):

Labcorp Genetics (formerly Invitae), Labcorp
Classification: Pathogenic for Isovaleryl-CoA dehydrogenase deficiency. Last evaluated: 2025-12-22. Review status: criteria provided, single submitter. Criteria: Invitae Variant Classification Sherloc (09022015). Collection method: clinical testing. Allele origin: germline.
Comment: This sequence change creates a premature translational stop signal (p.Arg120*) in the IVD gene. It is expected to result in an absent or disrupted protein product. Loss-of-function variants in IVD are known to be pathogenic (PMID: 16602101). This variant is present in population databases (rs776015412, gnomAD 0.004%). This premature translational stop signal has been observed in individual(s) with isovaleric acidemia (PMID: 27629047). ClinVar contains an entry for this variant (Variation ID: 551222). For these reasons, this variant has been classified as Pathogenic.

Natera, Inc.
Classification: Pathogenic for Isovaleryl-coa dehydrogenase deficiency. Last evaluated: 2025-12-02. Review status: criteria provided, single submitter. Criteria: Natera Variant Classification Schema (03/2026). Collection method: clinical testing. Allele origin: germline.
Comment: The c.358C>T variant in IVD is a nonsense variant predicted to introduce a stop codon at amino acid 120. This variant is expected to result in nonsense mediated decay, truncation, or a dysfunctional protein product. This variant is rare in the general population with a frequency below the threshold expected for the associated phenotype(s). This variant has been observed in one or more individuals affected with the associated recessive disease, as either homozygous or compound heterozygous with a second variant (PMID: 27629047, 33496032). Given the available evidence, this variant is classified as Pathogenic.

GeneDx
Classification: Pathogenic. Last evaluated: 2025-08-11. Review status: criteria provided, single submitter. Criteria: GeneDx Variant Classification Process June 2021. Collection method: clinical testing. Allele origin: germline.
Comment: Nonsense variant predicted to result in protein truncation or nonsense mediated decay in a gene for which loss of function is a known mechanism of disease; Not observed at significant frequency in large population cohorts (gnomAD); Also known as p.(R88*) and p.(R117*); This variant is associated with the following publications: (PMID: 27629047, 35846131)

PreventionGenetics, part of Exact Sciences
Classification: Pathogenic for IVD-related condition. Last evaluated: 2025-03-14. Review status: criteria provided, single submitter. Criteria: ACMG Guidelines, 2015. Collection method: clinical testing. Allele origin: germline.
Comment: The IVD c.358C>T variant is predicted to result in premature protein termination (p.Arg120*). This variant has been reported in the homozygous state in an individual with isovaleric acidemia (Alfadhel et al. 2016. PubMed ID: 27629047). This variant is reported in 0.0046% of alleles in individuals of European (Finnish) descent in gnomAD. Nonsense variants in IVD are expected to be pathogenic. This variant is interpreted as pathogenic.

Genomic Medicine Center of Excellence, King Faisal Specialist Hospital and Research Centre
Classification: Pathogenic for Isovaleryl-CoA dehydrogenase deficiency. Last evaluated: 2024-03-29. Review status: criteria provided, single submitter. Criteria: ACMG Guidelines, 2015. Collection method: clinical testing. Allele origin: germline.

Fulgent Genetics
Classification: Pathogenic for Isovaleryl-CoA dehydrogenase deficiency. Last evaluated: 2024-02-04. Review status: criteria provided, single submitter. Criteria: ACMG Guidelines, 2015. Collection method: clinical testing. Allele origin: germline.

Laboratory of Medical Genetics, National & Kapodistrian University of Athens
Classification: Pathogenic for Isovaleryl-CoA dehydrogenase deficiency. Last evaluated: 2024-02-01. Review status: criteria provided, single submitter. Criteria: ACMG Guidelines, 2015. Collection method: curation. Allele origin: germline. Affected: no.

Baylor Genetics
Classification: Pathogenic for Isovaleryl-CoA dehydrogenase deficiency. Last evaluated: 2023-10-21. Review status: criteria provided, single submitter. Criteria: ACMG Guidelines, 2015. Collection method: clinical testing. Allele origin: unknown.

Greenwood Genetic Center Diagnostic Laboratories, Greenwood Genetic Center
Classification: Pathogenic for Isovaleryl-CoA dehydrogenase deficiency. Last evaluated: 2021-06-02. Review status: criteria provided, single submitter. Criteria: ACMG Guidelines, 2015. Collection method: clinical testing. Allele origin: germline. Affected: yes.
Comment: PVS1, PM2, PS4_Supporting

Counsyl
Classification: Likely pathogenic for Isovaleryl-CoA dehydrogenase deficiency. Last evaluated: 2017-04-05. Review status: no assertion criteria provided. Collection method: clinical testing. Allele origin: unknown. Not counted in ClinVar's aggregate classification.

Literature cited by the submitters: PubMed 16602101 (cited by Labcorp Genetics (formerly Invitae), Labcorp); PubMed 27629047 (cited by 3 submitters); PubMed 33496032 (cited by Natera, Inc.).

NM_002225.5(IVD):c.349C>T (p.Arg117Ter)

Gene: IVD (isovaleryl-CoA dehydrogenase; plus strand). Cytogenetic location: 15q15.1.
Variant type: single nucleotide variant.
Coding change: c.349C>T on transcript NM_002225.5 (MANE Select); coding-DNA position 349, C replaced by T.
Protein change: p.Arg117Ter; replaces arginine 117 with a stop codon.
Molecular consequence: nonsense. On other transcripts: non-coding transcript variant (1).
Genome position (GRCh38, 1-based): chr15:40,410,690, C>T. VCF-style: chr15-40410690-C-T. GRCh37 (hg19) VCF-style: chr15-40702889-C-T.
Other names: c.259C>T, p.Arg87Ter (NM_001159508.3); c.301C>T, p.Arg101Ter (NM_001354597.3); c.349C>T, p.Arg117Ter (NM_001354598.3, NM_001354601.3); c.436C>T, p.Arg146Ter (NM_001354599.3, NM_001354600.3); short protein forms R87*, R101*, R117*, R146*.
Identifiers: ClinVar variation 551222 (VCV000551222.23), dbSNP rs776015412, ClinGen allele CA7480602.